The following is an entry in ClinVar:

NM_006514.4(SCN10A):c.3395A>G (p.Lys1132Arg)

Genes: SCN10A (sodium voltage-gated channel alpha subunit 10; minus strand), LOC110121288 (VISTA enhancer hs2268; plus strand). Cytogenetic location: 3p22.2.
Variant type: single nucleotide variant.
Coding change: c.3395A>G on transcript NM_006514.4 (MANE Select); coding-DNA position 3395, A replaced by G.
Protein change: p.Lys1132Arg; replaces lysine 1132 with arginine.
Molecular consequence: missense variant.
Genome position (GRCh38, 1-based): chr3:38,722,370, T>C on the plus strand (A>G on the coding strand, the complement: SCN10A is on the minus strand). VCF-style: chr3-38722370-T-C. GRCh37 (hg19) VCF-style: chr3-38763861-T-C.
Other names: c.3392A>G, p.Lys1131Arg (NM_001293306.2); c.3101A>G, p.Lys1034Arg (NM_001293307.2); short protein forms K1132R, K1034R, K1131R.
Identifiers: ClinVar variation 5029075 (VCV005029075.1).

ClinVar aggregate classification (germline): Uncertain significance (1 of 4 stars; one submission).

Conditions:
Cardiovascular phenotype. Identifiers: MedGen CN230736.

Submission:

Ambry Genetics
Classification: Uncertain significance for Cardiovascular phenotype. Last evaluated: 2026-06-20. Review status: criteria provided, single submitter. Criteria: Ambry Variant Classification Scheme 2023. Collection method: clinical testing. Allele origin: germline.
Comment: The p.K1132R variant (also known as c.3395A>G), located in coding exon 19 of the SCN10A gene, results from an A to G substitution at nucleotide position 3395. The lysine at codon 1132 is replaced by arginine, an amino acid with highly similar properties. This amino acid position is conserved. In addition, this alteration is predicted to be tolerated by in silico analysis. Based on the available evidence, the clinical significance of this variant remains unclear.